The following is an entry in ClinVar:

NM_001609.4(ACADSB):c.*2175A>C

Gene: ACADSB (acyl-CoA dehydrogenase short/branched chain; plus strand). Cytogenetic location: 10q26.13.
Variant type: single nucleotide variant.
Coding change: c.*2175A>C on transcript NM_001609.4 (MANE Select); 2175 bases downstream of the stop codon, A replaced by C.
Molecular consequence: 3 prime UTR variant.
Genome position (GRCh38, 1-based): chr10:123,055,940, A>C. VCF-style: chr10-123055940-A-C. GRCh37 (hg19) VCF-style: chr10-124815456-A-C.
Other names: c.*2175A>C (NM_001330174.3).
Identifiers: ClinVar variation 299128 (VCV000299128.6), dbSNP rs7909871, ClinGen allele CA10635141.
Genomic context (GRCh38, chr10:123,055,940, plus strand): 5'-AAGATGCTGCCAGTCTCTTTGCTAAAACACAGCAAGAGTCACCTTTACTCCAGTTCCCAA[A>C]AAGTTTTTCATCTCCATCTGAGACCACCTCAGCCTGAATTTTATTGTCAATATTGCTATC-3'

ClinVar aggregate classification (germline): Benign. Review status: criteria provided, multiple submitters, no conflicts (2 of 4 stars). 2 submissions from 2 submitters: Benign (2). Last evaluated 2018-01-12.

Conditions:
Deficiency of 2-methylbutyryl-CoA dehydrogenase (ACADSB). Also called: 2-methylbutyryl-CoA dehydrogenase deficiency; SBCAD deficiency; 2-methylbutyric aciduria; Short branched-chain acyl-CoA dehydrogenase deficiency; 2-methylbutyrylglycinuria. Identifiers: Orphanet 79157, MedGen C1864912, MONDO:0012392, OMIM 610006, HP:0020147.

Allele frequency attached by ClinVar (database versions not stated): 1000 Genomes Project 0.17272; 1000 Genomes Project 30x 0.17614; gnomAD 0.20108; TOPMed 0.21015.

Submissions (2):

Illumina Laboratory Services, Illumina
Classification: Benign for Deficiency of 2-methylbutyryl-CoA dehydrogenase. Last evaluated: 2018-01-12. Review status: criteria provided, single submitter. Criteria: ICSL Variant Classification Criteria 13 December 2019. Collection method: clinical testing. Allele origin: germline.
Comment: This variant was observed in the ICSL laboratory as part of a predisposition screen in an ostensibly healthy population. It had not been previously curated by ICSL or reported in the Human Gene Mutation Database (HGMD: prior to June 1st, 2018), and was therefore a candidate for classification through an automated scoring system. Utilizing variant allele frequency, disease prevalence and penetrance estimates, and inheritance mode, an automated score was calculated to assess if this variant is too frequent to cause the disease. Based on the score and internal cut-off values, a variant classified as benign is not then subjected to further curation. The score for this variant resulted in a classification of benign for this disease.

Breakthrough Genomics
Classification: Benign. Review status: criteria provided, single submitter. Criteria: ACMG Guidelines, 2015. Collection method: not provided. Allele origin: germline. Inheritance: Autosomal recessive inheritance. Affected: yes.